The following is an entry in ClinVar:

NC_000017.10:g.(?_58725233)_(58740913_?)dup

Gene: PPM1D (protein phosphatase, Mg2+/Mn2+ dependent 1D; plus strand). Cytogenetic location: 17q23.2.
Variant type: Duplication.
Identifiers: ClinVar variation 3243156 (VCV003243156.1).

ClinVar aggregate classification (germline): Uncertain significance (1 of 4 stars; one submission).

Submission:

Labcorp Genetics (formerly Invitae), Labcorp
Classification: Uncertain significance. Last evaluated: 2023-07-19. Review status: criteria provided, single submitter. Criteria: Invitae Variant Classification Sherloc (09022015). Collection method: clinical testing. Allele origin: unknown.
Comment: In summary, the available evidence is currently insufficient to determine the role of this variant in disease. Therefore, it has been classified as a Variant of Uncertain Significance. This variant has not been reported in the literature in individuals affected with PPM1D-related conditions. This variant results in a copy number gain of the genomic region encompassing exon(s) 4-6 of the PPM1D gene. This region includes the termination codon of the gene. This copy number gain extends beyond the assayed region for this gene and therefore may encompass additional genes. As the precise location of this event is unknown, it may be in tandem or it may be located elsewhere in the genome.